The following is an entry in ClinVar:

ClinVar aggregate classification (germline): Uncertain significance (1 of 4 stars; one submission).

Conditions:
RASopathy. Also called: rasopathies; Noonan spectrum disorder. Identifiers: Orphanet 536391, MedGen C5555857, MONDO:0021060.

Submission:

Labcorp Genetics (formerly Invitae), Labcorp
Classification: Uncertain significance for RASopathy. Last evaluated: 2023-05-05. Review status: criteria provided, single submitter. Criteria: Invitae Variant Classification Sherloc (09022015). Collection method: clinical testing. Allele origin: germline.
Comment: ClinVar contains an entry for this variant (Variation ID: 570561). This variant has not been reported in the literature in individuals affected with CBL-related conditions. This variant is not present in population databases (gnomAD no frequency). This sequence change replaces glycine, which is neutral and non-polar, with arginine, which is basic and polar, at codon 110 of the CBL protein (p.Gly110Arg). In summary, the available evidence is currently insufficient to determine the role of this variant in disease. Therefore, it has been classified as a Variant of Uncertain Significance. Advanced modeling of protein sequence and biophysical properties (such as structural, functional, and spatial information, amino acid conservation, physicochemical variation, residue mobility, and thermodynamic stability) performed at Invitae indicates that this missense variant is not expected to disrupt CBL protein function.

NM_005188.4(CBL):c.328G>A (p.Gly110Arg)

Gene: CBL (Cbl proto-oncogene; plus strand). Cytogenetic location: 11q23.3.
Variant type: single nucleotide variant.
Coding change: c.328G>A on transcript NM_005188.4 (MANE Select); coding-DNA position 328, G replaced by A.
Protein change: p.Gly110Arg; replaces glycine 110 with arginine.
Molecular consequence: missense variant.
Genome position (GRCh38, 1-based): chr11:119,232,580, G>A. VCF-style: chr11-119232580-G-A. GRCh37 (hg19) VCF-style: chr11-119103290-G-A.
Other names: short protein forms G110R.
Identifiers: ClinVar variation 570561 (VCV000570561.11), dbSNP rs1565859798, ClinGen allele CA382894966.